The following is an entry in ClinVar:

ClinVar aggregate classification (germline): Uncertain significance. Review status: criteria provided, multiple submitters, no conflicts (2 of 4 stars). 2 submissions from 2 submitters: Uncertain significance (2). Last evaluated 2022-11-02.

Conditions:
Inborn genetic diseases. Identifiers: MedGen C0950123, MeSH D030342.

Allele frequency attached by ClinVar (database versions not stated): ExAC 0.00001; gnomAD 0.00003; TOPMed 0.00003; gnomAD exomes 0.00005.
gnomAD v4.1: 76 of 1,614,000 alleles (0.0047%); highest among the groups gnomAD compares: Non-Finnish European, 0.0059%; no homozygotes.

Submissions (2):

Mayo Clinic Laboratories, Mayo Clinic
Classification: Uncertain significance. Last evaluated: 2022-11-02. Review status: criteria provided, single submitter. Criteria: ACMG Guidelines, 2015. Collection method: clinical testing. Allele origin: germline. Observed: 1 variant allele.
Comment: PM2

Ambry Genetics
Classification: Uncertain significance for Inborn genetic diseases. Last evaluated: 2021-10-20. Review status: criteria provided, single submitter. Criteria: Ambry Variant Classification Scheme 2023. Collection method: clinical testing. Allele origin: germline.

NM_003672.4(CDC14A):c.782G>A (p.Arg261Gln)

Gene: CDC14A (cell division cycle 14A; plus strand). Cytogenetic location: 1p21.2.
Variant type: single nucleotide variant.
Coding change: c.782G>A on transcript NM_003672.4 (MANE Select); coding-DNA position 782, G replaced by A.
Protein change: p.Arg261Gln; replaces arginine 261 with glutamine.
Molecular consequence: missense variant. On other transcripts: 5 prime UTR variant (1).
Genome position (GRCh38, 1-based): chr1:100,462,825, G>A. VCF-style: chr1-100462825-G-A. GRCh37 (hg19) VCF-style: chr1-100928381-G-A.
Other names: p.Arg261Gln; c.782G>A, p.Arg261Gln (NM_001319210.2, NM_033312.3, NM_033313.3); c.608G>A, p.Arg203Gln (NM_001319211.2); c.-98G>A (NM_001319212.2); short protein forms R203Q, R261Q.
Identifiers: ClinVar variation 2255882 (VCV002255882.3), dbSNP rs190052443, ClinGen allele CA970685.
Genomic context (GRCh38, chr1:100,462,825, plus strand): 5'-GCTTCGAGCACTATGACCTCTTCTTCATAGATGGCAGCACACCCAGTGACAACATCGTGC[G>A]AAGGTTCCTGAACATCTGTGAGAACACCGAAGGGGCCATCGCCGTTCACTGCAAAGGTGT-3'
Protein context (NP_003663.2, residues 251-271): DGSTPSDNIV[Arg261Gln]RFLNICENTE